The following is an entry in ClinVar:

NM_004553.6(NDUFS6):c.153C>A (p.Tyr51Ter)

Gene: NDUFS6 (NADH:ubiquinone oxidoreductase subunit S6; plus strand). Cytogenetic location: 5p15.33.
Variant type: single nucleotide variant.
Coding change: c.153C>A on transcript NM_004553.6 (MANE Select); coding-DNA position 153, C replaced by A.
Protein change: p.Tyr51Ter; replaces tyrosine 51 with a stop codon.
Molecular consequence: nonsense.
Genome position (GRCh38, 1-based): chr5:1,802,341, C>A. VCF-style: chr5-1802341-C-A. GRCh37 (hg19) VCF-style: chr5-1802455-C-A.
Other names: short protein forms Y51*.
Identifiers: ClinVar variation 5003791 (VCV005003791.1).

ClinVar aggregate classification (germline): Pathogenic (1 of 4 stars; one submission).

Conditions:
Mitochondrial complex I deficiency, nuclear type 9. Also called: Mitochondrial complex 1 deficiency, nuclear type 9. Identifiers: MedGen C4748767, MONDO:0032615, OMIM 618232.

Submission:

Myriad Genetics, Inc.
Classification: Pathogenic for Mitochondrial complex I deficiency, nuclear type 9. Last evaluated: 2026-06-25. Review status: criteria provided, single submitter. Criteria: Myriad Autosomal Dominant, Autosomal Recessive and X-Linked Classification Criteria (2023). Collection method: clinical testing. Allele origin: unknown.
Comment: NM_004553.4(NDUFS6):c.153C>A(Y51*) is a nonsense variant classified as pathogenic in the context of mitochondrial complex I deficiency, NDUFS6-related. Y51* has not been observed in cases with relevant disease. Relevant functional assessments of this variant are not available in the literature. Y51* has not been observed in referenced population frequency databases. In summary, NM_004553.4(NDUFS6):c.153C>A(Y51*) is a nonsense variant in a gene where loss of function is a known mechanism of disease and is predicted to disrupt protein function. Please note: this variant was assessed in the context of healthy population screening.